The following is an entry in ClinVar:

ClinVar aggregate classification (germline): Uncertain significance. Review status: criteria provided, multiple submitters, no conflicts (2 of 4 stars). 2 submissions from 2 submitters: Uncertain significance (2). Last evaluated 2025-11-11.

gnomAD v4.1: 6 of 1,612,200 alleles (0.00037%); highest among the groups gnomAD compares: Non-Finnish European, 0.00051%; no homozygotes.

Submissions (2):

Labcorp Genetics (formerly Invitae), Labcorp
Classification: Uncertain significance. Last evaluated: 2025-11-11. Review status: criteria provided, single submitter. Criteria: Invitae Variant Classification Sherloc (09022015). Collection method: clinical testing. Allele origin: germline.
Comment: This sequence change replaces lysine, which is basic and polar, with glutamic acid, which is acidic and polar, at codon 160 of the OTULIN protein (p.Lys160Glu). This variant is present in population databases (rs751122695, gnomAD 0.002%). This variant has not been reported in the literature in individuals affected with OTULIN-related conditions. ClinVar contains an entry for this variant (Variation ID: 4129476). Invitae Evidence Modeling of protein sequence and biophysical properties (such as structural, functional, and spatial information, amino acid conservation, physicochemical variation, residue mobility, and thermodynamic stability) indicates that this missense variant is not expected to disrupt OTULIN protein function with a negative predictive value of 80%. In summary, the available evidence is currently insufficient to determine the role of this variant in disease. Therefore, it has been classified as a Variant of Uncertain Significance.

Ambry Genetics
Classification: Uncertain significance. Last evaluated: 2025-08-28. Review status: criteria provided, single submitter. Criteria: Ambry Variant Classification Scheme 2023. Collection method: clinical testing. Allele origin: germline.

NM_138348.6(OTULIN):c.478A>G (p.Lys160Glu)

Gene: OTULIN (OTU deubiquitinase with linear linkage specificity; plus strand). Cytogenetic location: 5p15.2.
Variant type: single nucleotide variant.
Coding change: c.478A>G on transcript NM_138348.6 (MANE Select); coding-DNA position 478, A replaced by G.
Protein change: p.Lys160Glu; replaces lysine 160 with glutamic acid.
Molecular consequence: missense variant.
Genome position (GRCh38, 1-based): chr5:14,687,530, A>G. VCF-style: chr5-14687530-A-G. GRCh37 (hg19) VCF-style: chr5-14687639-A-G.
Other names: short protein forms K160E.
Identifiers: ClinVar variation 4129476 (VCV004129476.2).
Genomic context (GRCh38, chr5:14,687,530, plus strand): 5'-ATTTCTTGGAATGTTAACACTTCTTTATCTCTTTGTTTCTCGATGTTGTAGTTACCAGAA[A>G]AACTCATAAGCAAATACAACTGGATCAAGCAATGGAAACTTGGACTGAAATTTGATGGGA-3'
Protein context (NP_612357.4, residues 150-170): QDPELMLLPE[Lys160Glu]LISKYNWIKQ